The following is an entry in ClinVar:

ClinVar aggregate classification (germline): Uncertain significance (1 of 4 stars; one submission).

gnomAD v4.1: 3 of 1,613,330 alleles (0.00019%); highest among the groups gnomAD compares: East Asian, 0.0022%; no homozygotes.

Submission:

Labcorp Genetics (formerly Invitae), Labcorp
Classification: Uncertain significance. Last evaluated: 2024-02-29. Review status: criteria provided, single submitter. Criteria: Invitae Variant Classification Sherloc (09022015). Collection method: clinical testing. Allele origin: germline.
Comment: This sequence change replaces tyrosine, which is neutral and polar, with cysteine, which is neutral and slightly polar, at codon 1279 of the ARID1A protein (p.Tyr1279Cys). This variant is not present in population databases (gnomAD no frequency). This variant has not been reported in the literature in individuals affected with ARID1A-related conditions. Advanced modeling of protein sequence and biophysical properties (such as structural, functional, and spatial information, amino acid conservation, physicochemical variation, residue mobility, and thermodynamic stability) performed at Invitae indicates that this missense variant is not expected to disrupt ARID1A protein function with a negative predictive value of 80%. In summary, the available evidence is currently insufficient to determine the role of this variant in disease. Therefore, it has been classified as a Variant of Uncertain Significance.

NM_006015.6(ARID1A):c.3836A>G (p.Tyr1279Cys)

Gene: ARID1A (AT-rich interaction domain 1A; plus strand). Cytogenetic location: 1p36.11.
Variant type: single nucleotide variant.
Coding change: c.3836A>G on transcript NM_006015.6 (MANE Select); coding-DNA position 3836, A replaced by G.
Protein change: p.Tyr1279Cys; replaces tyrosine 1279 with cysteine.
Molecular consequence: missense variant.
Genome position (GRCh38, 1-based): chr1:26,773,466, A>G. VCF-style: chr1-26773466-A-G. GRCh37 (hg19) VCF-style: chr1-27099957-A-G.
Other names: c.3836A>G, p.Tyr1279Cys (NM_139135.4); short protein forms Y1279C.
Identifiers: ClinVar variation 3691863 (VCV003691863.2).
Genomic context (GRCh38, chr1:26,773,466, plus strand): 5'-CCTACAGTCGTGCTGCCGGCCCTGGGCTAGGAAATGTGGCGATGGGACCACGACAGCACT[A>G]TCCCTATGGAGGTCCTTATGACAGAGTGAGGTAAGCATGACCCCAGCTCCTGTCCACTCC-3'
Protein context (NP_006006.3, residues 1269-1289): GNVAMGPRQH[Tyr1279Cys]PYGGPYDRVR